The following is an entry in ClinVar:

ClinVar aggregate classification (germline): Uncertain significance (1 of 4 stars; one submission).

Conditions:
Tuberous sclerosis 2 (TSC2). Identifiers: Orphanet 805, MedGen C1860707, MONDO:0013199, OMIM 613254.

Submission:

Labcorp Genetics (formerly Invitae), Labcorp
Classification: Uncertain significance for Tuberous sclerosis 2. Last evaluated: 2021-11-10. Review status: criteria provided, single submitter. Criteria: Invitae Variant Classification Sherloc (09022015). Collection method: clinical testing. Allele origin: germline.
Comment: In summary, the available evidence is currently insufficient to determine the role of this variant in disease. Therefore, it has been classified as a Variant of Uncertain Significance. Algorithms developed to predict the effect of sequence changes on RNA splicing suggest that this variant may create or strengthen a splice site. Advanced modeling of protein sequence and biophysical properties (such as structural, functional, and spatial information, amino acid conservation, physicochemical variation, residue mobility, and thermodynamic stability) performed at Invitae indicates that this missense variant is not expected to disrupt TSC2 protein function. This variant has not been reported in the literature in individuals affected with TSC2-related conditions. This variant is not present in population databases (gnomAD no frequency). This sequence change replaces alanine, which is neutral and non-polar, with glycine, which is neutral and non-polar, at codon 1171 of the TSC2 protein (p.Ala1171Gly).

NM_000548.5(TSC2):c.3512C>G (p.Ala1171Gly)

Gene: TSC2 (TSC complex subunit 2; plus strand). Cytogenetic location: 16p13.3.
Variant type: single nucleotide variant.
Coding change: c.3512C>G on transcript NM_000548.5 (MANE Select); coding-DNA position 3512, C replaced by G.
Protein change: p.Ala1171Gly; replaces alanine 1171 with glycine.
Molecular consequence: missense variant.
Genome position (GRCh38, 1-based): chr16:2,080,279, C>G. VCF-style: chr16-2080279-C-G. GRCh37 (hg19) VCF-style: chr16-2130280-C-G.
Other names: c.3380C>G, p.Ala1127Gly (NM_001077183.3, NM_001370404.1); c.3512C>G, p.Ala1171Gly (NM_001114382.3); c.3272C>G, p.Ala1091Gly (NM_001318827.2); c.3236C>G, p.Ala1079Gly (NM_001318829.2); c.2780C>G, p.Ala927Gly (NM_001318831.2); c.3413C>G, p.Ala1138Gly (NM_001318832.2); c.3383C>G, p.Ala1128Gly (NM_001363528.2, NM_001370405.1, NM_021055.3); short protein forms A1128G, A1079G, A1091G, A1138G, A1171G, A927G, A1127G.
Identifiers: ClinVar variation 1392461 (VCV001392461.6), dbSNP rs2151459473, ClinGen allele CA394289282.